The following is an entry in ClinVar:

ClinVar aggregate classification (germline): Likely benign. Review status: criteria provided, multiple submitters, no conflicts (2 of 4 stars). 2 submissions from 2 submitters: Likely benign (2). Last evaluated 2018-06-16.

Allele frequency attached by ClinVar (database versions not stated): ExAC 0.00448; gnomAD 0.01353 and 0.01258; TOPMed 0.01388; 1000 Genomes Project 0.01318; 1000 Genomes Project 30x 0.01624.

Submissions (2):

GeneDx
Classification: Likely benign. Last evaluated: 2018-06-16. Review status: criteria provided, single submitter. Criteria: GeneDx Variant Classification (06012015). Collection method: clinical testing. Allele origin: germline. Affected: yes.
Comment: This variant is considered likely benign or benign based on one or more of the following criteria: it is a conservative change, it occurs at a poorly conserved position in the protein, it is predicted to be benign by multiple in silico algorithms, and/or has population frequency not consistent with disease.

Breakthrough Genomics
Classification: Likely benign. Review status: criteria provided, single submitter. Criteria: ACMG Guidelines, 2015. Collection method: not provided. Allele origin: germline. Inheritance: Autosomal recessive inheritance. Affected: yes.

NM_006294.3(UQCRB):c.-100G>T

Genes: UQCRB (ubiquinol-cytochrome c reductase binding protein; minus strand), UQCRB-AS1 (UQCRB antisense RNA 1; plus strand). Cytogenetic location: 8q22.1.
Variant type: single nucleotide variant.
Coding change: c.-100G>T on transcript NM_006294.3; 100 bases upstream of the start codon, G replaced by T.
Genome position (GRCh38, 1-based): chr8:96,235,630, C>A on the plus strand (G>T on the coding strand, the complement: UQCRB is on the minus strand). VCF-style: chr8-96235630-C-A. GRCh37 (hg19) VCF-style: chr8-97247858-C-A.
Identifiers: ClinVar variation 675850 (VCV000675850.4), dbSNP rs73698550, ClinGen allele CA4816061.
Genomic context (GRCh38, chr8:96,235,630, plus strand): 5'-TAGAGGACAAGCTGGGCCCAGTCCGCAGGCGCGTTACGTCACATCGCGAACAGAGAAAGG[C>A]CGCTTGCGCAGGCGCAGTTCTGACGACTGCCGTTCAGCACCTGCGTAAGCACCTCTCGGC-3'